The following is an entry in ClinVar:

NM_003719.5(PDE8B):c.796C>T (p.Arg266Trp)

Gene: PDE8B (phosphodiesterase 8B; plus strand). Cytogenetic location: 5q13.3.
Variant type: single nucleotide variant.
Coding change: c.796C>T on transcript NM_003719.5 (MANE Select); coding-DNA position 796, C replaced by T.
Protein change: p.Arg266Trp; replaces arginine 266 with tryptophan.
Molecular consequence: missense variant.
Genome position (GRCh38, 1-based): chr5:77,337,314, C>T. VCF-style: chr5-77337314-C-T. GRCh37 (hg19) VCF-style: chr5-76633139-C-T.
Other names: c.796C>T, p.Arg266Trp (NM_001029851.4, NM_001029852.4, NM_001029854.4 and 2 more transcripts); c.736C>T, p.Arg246Trp (NM_001029853.4); c.793C>T, p.Arg265Trp (NM_001349748.3, NM_001349751.3, NM_001376065.1); c.859C>T, p.Arg287Trp (NM_001349749.3); c.556C>T, p.Arg186Trp (NM_001349750.3); c.490C>T, p.Arg164Trp (NM_001349752.3, NM_001376071.1); c.424C>T, p.Arg142Trp (NM_001349753.2, NM_001376067.1, NM_001376068.1 and 1 more transcripts); c.493C>T, p.Arg165Trp (NM_001376062.1, NM_001376070.1, NM_001376072.1 and 1 more transcripts); and 2 more; short protein forms R246W, R265W, R266W, R142W, R165W, R186W, R145W, R287W.
Identifiers: ClinVar variation 907273 (VCV000907273.5), dbSNP rs375768747, ClinGen allele CA3315041.

ClinVar aggregate classification (germline): Conflicting classifications of pathogenicity. Review status: criteria provided, conflicting classifications (1 of 4 stars). 2 submissions from 2 submitters: Uncertain significance (1); Likely benign (1). Last evaluated 2024-10-08.

Conditions:
Inborn genetic diseases. Identifiers: MedGen C0950123, MeSH D030342.
Autosomal dominant striatal neurodegeneration type 1. Identifiers: Orphanet 228169, MedGen C4310808, MONDO:0012205, OMIM 609161.

Allele frequency attached by ClinVar (database versions not stated): TOPMed 0.00002; gnomAD 0.00003; gnomAD exomes 0.00003 and 0.00007; ExAC 0.00004; ESP Exome Variant Server 0.00008.
gnomAD v4.1: 88 of 1,480,750 alleles (0.0059%); highest among the groups gnomAD compares: Non-Finnish European, 0.0082%; no homozygotes.

Submissions (2):

Ambry Genetics
Classification: Uncertain significance for Inborn genetic diseases. Last evaluated: 2024-10-08. Review status: criteria provided, single submitter. Criteria: Ambry Variant Classification Scheme 2023. Collection method: clinical testing. Allele origin: germline.

Illumina Laboratory Services, Illumina
Classification: Likely benign for Autosomal dominant striatal neurodegeneration type 1. Last evaluated: 2018-01-13. Review status: criteria provided, single submitter. Criteria: ICSL Variant Classification Criteria 13 December 2019. Collection method: clinical testing. Allele origin: germline.
Comment: This variant was observed in the ICSL laboratory as part of a predisposition screen in an ostensibly healthy population. It had not been previously curated by ICSL or reported in the Human Gene Mutation Database (HGMD: prior to June 1st, 2018), and was therefore a candidate for classification through an automated scoring system. Utilizing variant allele frequency, disease prevalence and penetrance estimates, and inheritance mode, an automated score was calculated to assess if this variant is too frequent to cause the disease. Based on the score and internal cut-off values, a variant classified as likely benign is not then subjected to further curation. The score for this variant resulted in a classification of likely benign for this disease.